The following is an entry in ClinVar:

NM_019888.3(MC3R):c.361G>T (p.Asp121Tyr)

Gene: MC3R (melanocortin 3 receptor; plus strand). Cytogenetic location: 20q13.2.
Variant type: single nucleotide variant.
Coding change: c.361G>T on transcript NM_019888.3 (MANE Select); coding-DNA position 361, G replaced by T.
Protein change: p.Asp121Tyr; replaces aspartic acid 121 with tyrosine.
Molecular consequence: missense variant.
Genome position (GRCh38, 1-based): chr20:56,249,204, G>T. VCF-style: chr20-56249204-G-T. GRCh37 (hg19) VCF-style: chr20-54824260-G-T.
Other names: short protein forms D121Y.
Identifiers: ClinVar variation 3355576 (VCV003355576.2).

ClinVar aggregate classification (germline): Uncertain significance. Review status: criteria provided, single submitter (1 of 4 stars). 2 submissions from 2 submitters: Uncertain significance (1). 1 of the submissions does not count toward it. Last evaluated 2025-05-21.

Conditions:
MC3R-related disorder. Also called: MC3R-related condition.

Submissions (2):

Labcorp Genetics (formerly Invitae), Labcorp
Classification: Uncertain significance. Last evaluated: 2025-05-21. Review status: criteria provided, single submitter. Criteria: Invitae Variant Classification Sherloc (09022015). Collection method: clinical testing. Allele origin: germline.
Comment: This sequence change replaces aspartic acid, which is acidic and polar, with tyrosine, which is neutral and polar, at codon 121 of the MC3R protein (p.Asp121Tyr). This variant is present in population databases (rs368205448, gnomAD 0.009%). This missense change has been observed in individual(s) with obesity (PMID: 21047972). ClinVar contains an entry for this variant (Variation ID: 3355576). An algorithm developed to predict the effect of missense changes on protein structure and function (PolyPhen-2) suggests that this variant is likely to be disruptive. Experimental studies have shown that this missense change affects MC3R function (PMID: 21047972, 25798062). In summary, the available evidence is currently insufficient to determine the role of this variant in disease. Therefore, it has been classified as a Variant of Uncertain Significance.

PreventionGenetics, part of Exact Sciences
Classification: Uncertain significance for MC3R-related condition. Last evaluated: 2024-04-17. Review status: no assertion criteria provided. Collection method: clinical testing. Allele origin: germline. Not counted in ClinVar's aggregate classification.
Comment: The MC3R c.361G>T variant is predicted to result in the amino acid substitution p.Asp121Tyr. This variant has been reported in a constitutional delay of growth and puberty cohort and in patients with obesity (Table S2, Duckett et al. 2023. PubMed ID: 37339320, Mencarelli et al. 2011. PubMed ID: 21047972). Experimental studies suggest this variant may act via a loss of function mechanism (Table S2, Duckett et al. 2023. PubMed ID: 37339320, Mencarelli et al. 2011. PubMed ID: 21047972, Yang et al. 2015. PubMed ID: 25798062). This variant is reported in 0.0085% of alleles in individuals of European (non-Finnish) descent in gnomAD. At this time, the clinical significance of this variant is uncertain due to the absence of conclusive functional and genetic evidence.

Literature cited by the submitters: PubMed 21047972 (cited by Labcorp Genetics (formerly Invitae), Labcorp); PubMed 25798062 (cited by Labcorp Genetics (formerly Invitae), Labcorp).